The following is an entry in ClinVar:

ClinVar aggregate classification (germline): Uncertain significance. Review status: criteria provided, multiple submitters, no conflicts (2 of 4 stars). 2 submissions from 2 submitters: Uncertain significance (2). Last evaluated 2022-11-11.

Conditions:
Hereditary cancer-predisposing syndrome. Also called: Hereditary neoplastic syndrome; Tumor predisposition; Neoplastic Syndromes, Hereditary; Hereditary Cancer Syndrome. Identifiers: Orphanet 140162, MedGen C0027672, MeSH D009386, MONDO:0015356.
Multiple endocrine neoplasia, type 2 (MEN2). Identifiers: Orphanet 653, MedGen C4048306, MONDO:0019003. Disease mechanism: gain of function.

Submissions (2):

Ambry Genetics
Classification: Uncertain significance for Hereditary cancer-predisposing syndrome. Last evaluated: 2022-11-11. Review status: criteria provided, single submitter. Criteria: Ambry Variant Classification Scheme 2023. Collection method: clinical testing. Allele origin: germline.
Comment: The p.S1026P variant (also known as c.3076T>C), located in coding exon 19 of the RET gene, results from a T to C substitution at nucleotide position 3076. The serine at codon 1026 is replaced by proline, an amino acid with similar properties. This amino acid position is conserved. In addition, this alteration is predicted to be tolerated by in silico analysis. Since supporting evidence is limited at this time, the clinical significance of this alteration remains unclear.

Labcorp Genetics (formerly Invitae), Labcorp
Classification: Uncertain significance for Multiple endocrine neoplasia, type 2. Last evaluated: 2022-05-27. Review status: criteria provided, single submitter. Criteria: Invitae Variant Classification Sherloc (09022015). Collection method: clinical testing. Allele origin: germline.
Comment: This sequence change replaces serine, which is neutral and polar, with proline, which is neutral and non-polar, at codon 1026 of the RET protein (p.Ser1026Pro). This variant is not present in population databases (gnomAD no frequency). In summary, the available evidence is currently insufficient to determine the role of this variant in disease. Therefore, it has been classified as a Variant of Uncertain Significance. Algorithms developed to predict the effect of missense changes on protein structure and function are either unavailable or do not agree on the potential impact of this missense change (SIFT: "Tolerated"; PolyPhen-2: "Possibly Damaging"; Align-GVGD: "Class C0"). ClinVar contains an entry for this variant (Variation ID: 656446). This variant has not been reported in the literature in individuals affected with RET-related conditions.

NM_020975.6(RET):c.3076T>C (p.Ser1026Pro)

Gene: RET (ret proto-oncogene; plus strand). Cytogenetic location: 10q11.21.
Variant type: single nucleotide variant.
Coding change: c.3076T>C on transcript NM_020975.6 (MANE Select); coding-DNA position 3076, T replaced by C.
Protein change: p.Ser1026Pro; replaces serine 1026 with proline.
Molecular consequence: missense variant.
Genome position (GRCh38, 1-based): chr10:43,126,611, T>C. VCF-style: chr10-43126611-T-C. GRCh37 (hg19) VCF-style: chr10-43622059-T-C.
Other names: c.3076T>C, p.Ser1026Pro (NM_001406760.1, NM_020629.2, NM_020630.7 and 4 more transcripts); c.2947T>C, p.Ser983Pro (NM_001406761.1, NM_001406762.1, NM_001406764.1); c.2941T>C, p.Ser981Pro (NM_001406763.1, NM_001406765.1); c.2788T>C, p.Ser930Pro (NM_001406766.1, NM_001406767.1, NM_001406770.1); c.2812T>C, p.Ser938Pro (NM_001406768.1); c.2179T>C, p.Ser727Pro (NM_001406779.1, NM_001406780.1, NM_001406781.1 and 1 more transcripts); c.2050T>C, p.Ser684Pro (NM_001406783.1, NM_001406786.1); c.2086T>C, p.Ser696Pro (NM_001406784.1); and 10 more; short protein forms S1026P, S772P, S682P, S684P, S727P, S894P, S938P, S784P.
Identifiers: ClinVar variation 656446 (VCV000656446.11), dbSNP rs1588880990, ClinGen allele CA376558339.
Genomic context (GRCh38, chr10:43,126,611, plus strand): 5'-TGACCGGCCATCTCTGTCTTCCAGGACTACTTGGACCTTGCGGCGTCCACTCCATCTGAC[T>C]CCCTGATTTATGACGACGGCCTCTCAGAGGAGGAGACACCGCTGGTGGACTGTAATAATG-3'
Protein context (NP_066124.1, residues 1016-1036): LDLAASTPSD[Ser1026Pro]LIYDDGLSEE